The following is an entry in ClinVar:

ClinVar aggregate classification (germline): Uncertain significance (1 of 4 stars; one submission).

Conditions:
Hereditary cancer-predisposing syndrome. Also called: Neoplastic Syndromes, Hereditary; Tumor predisposition; Hereditary Cancer Syndrome; Hereditary neoplastic syndrome. Identifiers: Orphanet 140162, MedGen C0027672, MeSH D009386, MONDO:0015356.

Submission:

Ambry Genetics
Classification: Uncertain significance for Hereditary cancer-predisposing syndrome. Last evaluated: 2025-10-10. Review status: criteria provided, single submitter. Criteria: Ambry Variant Classification Scheme 2023. Collection method: clinical testing. Allele origin: germline.
Comment: The p.T109R variant (also known as c.326C>G), located in coding exon 3 of the RAD50 gene, results from a C to G substitution at nucleotide position 326. The threonine at codon 109 is replaced by arginine, an amino acid with similar properties. This amino acid position is conserved. In addition, this alteration is predicted to be tolerated by in silico analysis. Based on the available evidence, the clinical significance of this variant remains unclear.

NM_005732.4(RAD50):c.326C>G (p.Thr109Arg)

Gene: RAD50 (RAD50 double strand break repair protein; plus strand). Cytogenetic location: 5q31.1.
Variant type: single nucleotide variant.
Coding change: c.326C>G on transcript NM_005732.4 (MANE Select); coding-DNA position 326, C replaced by G.
Protein change: p.Thr109Arg; replaces threonine 109 with arginine.
Molecular consequence: missense variant.
Genome position (GRCh38, 1-based): chr5:132,575,889, C>G. VCF-style: chr5-132575889-C-G. GRCh37 (hg19) VCF-style: chr5-131911581-C-G.
Other names: short protein forms T109R.
Identifiers: ClinVar variation 4677902 (VCV004677902.1).
Genomic context (GRCh38, chr5:132,575,889, plus strand): 5'-TCAATGGAGAACTTATAGCTGTGCAAAGATCTATGGTGTGTACTCAGAAAAGCAAAAAGA[C>G]AGAATTTAAAACTCTGGAAGGAGTCATTACTAGAACAAAGTAGGTGTTTATATGATATTT-3'
Protein context (NP_005723.2, residues 99-119): SMVCTQKSKK[Thr109Arg]EFKTLEGVIT